The following is an entry in ClinVar:

NM_001257096.2(PAX1):c.1181C>T (p.Pro394Leu)

Gene: PAX1 (paired box 1; plus strand). Cytogenetic location: 20p11.22.
Variant type: single nucleotide variant.
Coding change: c.1181C>T on transcript NM_001257096.2 (MANE Select); coding-DNA position 1181, C replaced by T.
Protein change: p.Pro394Leu; replaces proline 394 with leucine.
Molecular consequence: missense variant.
Genome position (GRCh38, 1-based): chr20:21,709,343, C>T. VCF-style: chr20-21709343-C-T. GRCh37 (hg19) VCF-style: chr20-21689981-C-T.
Other names: c.1181C>T (NM_006192.3); c.1181C>T, p.Pro394Leu (NM_006192.5); short protein forms P394L.
Identifiers: ClinVar variation 828160 (VCV000828160.6), dbSNP rs767129610, ClinGen allele CA9786713.

ClinVar aggregate classification (germline): Uncertain significance. Review status: criteria provided, multiple submitters, no conflicts (2 of 4 stars). 4 submissions from 4 submitters: Uncertain significance (3). 1 of the submissions does not count toward it. Last evaluated 2025-09-28.

Conditions:
Otofaciocervical syndrome 2 (OTFCS2). Also called: OTOFACIOCERVICAL SYNDROME 2, WITH T-CELL DEFICIENCY. Identifiers: MedGen C5442121, MONDO:0014254, OMIM 615560.
Inborn genetic diseases. Identifiers: MedGen C0950123, MeSH D030342.

Allele frequency attached by ClinVar (database versions not stated): TOPMed 0.00002.

Submissions (4):

Ambry Genetics
Classification: Uncertain significance for Inborn genetic diseases. Last evaluated: 2025-09-28. Review status: criteria provided, single submitter. Criteria: Ambry Variant Classification Scheme 2023. Collection method: clinical testing. Allele origin: germline.

Labcorp Genetics (formerly Invitae), Labcorp
Classification: Uncertain significance. Last evaluated: 2022-08-16. Review status: criteria provided, single submitter. Criteria: Invitae Variant Classification Sherloc (09022015). Collection method: clinical testing. Allele origin: germline.
Comment: This sequence change replaces proline, which is neutral and non-polar, with leucine, which is neutral and non-polar, at codon 394 of the PAX1 protein (p.Pro394Leu). This variant is present in population databases (rs767129610, gnomAD 0.01%). This variant has not been reported in the literature in individuals affected with PAX1-related conditions. ClinVar contains an entry for this variant (Variation ID: 828160). Algorithms developed to predict the effect of missense changes on protein structure and function are either unavailable or do not agree on the potential impact of this missense change (SIFT: "Deleterious"; PolyPhen-2: "Possibly Damaging"; Align-GVGD: "Class C0"). In summary, the available evidence is currently insufficient to determine the role of this variant in disease. Therefore, it has been classified as a Variant of Uncertain Significance.

Baylor Genetics
Classification: Uncertain significance for Otofaciocervical syndrome 2. Last evaluated: 2020-06-03. Review status: criteria provided, single submitter. Criteria: ACMG Guidelines, 2015. Collection method: clinical testing. Allele origin: unknown. Affected: yes.
Comment: This variant was determined to be of uncertain significance according to ACMG Guidelines, 2015 [PMID:25741868].

Biochemical Molecular Genetic Laboratory, King Abdulaziz Medical City
Classification: Uncertain significance for Otofaciocervical syndrome 2. Last evaluated: 2020-02-05. Review status: no assertion criteria provided. Collection method: clinical testing. Allele origin: germline. Affected: yes. Not counted in ClinVar's aggregate classification.